The following is an entry in ClinVar:

NM_001367624.2(ZNF469):c.3119A>C (p.Lys1040Thr)

Gene: ZNF469 (zinc finger protein 469; plus strand). Cytogenetic location: 16q24.2.
Variant type: single nucleotide variant.
Coding change: c.3119A>C on transcript NM_001367624.2 (MANE Select); coding-DNA position 3119, A replaced by C.
Protein change: p.Lys1040Thr; replaces lysine 1040 with threonine.
Molecular consequence: missense variant.
Genome position (GRCh38, 1-based): chr16:88,430,589, A>C. VCF-style: chr16-88430589-A-C. GRCh37 (hg19) VCF-style: chr16-88496997-A-C.
Other names: short protein forms K1040T.
Identifiers: ClinVar variation 126924 (VCV000126924.6), dbSNP rs273585619, ClinGen allele CA151287.

ClinVar aggregate classification (germline): Uncertain significance. Review status: criteria provided, single submitter (1 of 4 stars). 2 submissions from 2 submitters: Uncertain significance (1). 1 of the submissions does not count toward it. Last evaluated 2024-05-30.

Conditions:
Keratoconus 1 (KTCN1). Identifiers: MedGen C1835677, MONDO:0007851, OMIM 148300.

Allele frequency attached by ClinVar (database versions not stated): gnomAD 0.00002 and 0.00003; TOPMed 0.00002; gnomAD exomes 0.00005 and 0.00002.

Submissions (2):

Women's Health and Genetics/Laboratory Corporation of America, LabCorp
Classification: Uncertain significance. Last evaluated: 2024-05-30. Review status: criteria provided, single submitter. Criteria: LabCorp Variant Classification Summary - May 2015. Collection method: clinical testing. Allele origin: germline.
Comment: Variant summary: ZNF469 c.3119A>C (p.Lys1040Thr) results in a non-conservative amino acid change in the encoded protein sequence. Two of four in-silico tools predict a benign effect of the variant on protein function. The variant allele was found at a frequency of 2e-05 in 99330 control chromosomes. The available data on variant occurrences in the general population are insufficient to allow any conclusion about variant significance. c.3119A>C has been reported in the literature as a heterozygous variant in an individual affected with Keratoconus (example, Lechner_2014). This report does not provide unequivocal conclusions about association of the variant with Brittle Cornea Syndrome 1. To our knowledge, no experimental evidence demonstrating an impact on protein function has been reported. The following publication has been ascertained in the context of this evaluation (PMID: 24895405). ClinVar contains an entry for this variant (Variation ID: 126924). Based on the evidence outlined above, the variant was classified as uncertain significance.

Willoughby Group, Queen's University Belfast
Classification: Pathogenic for Keratoconus 1. Review status: no assertion criteria provided. Collection method: not provided. Allele origin: germline. Not counted in ClinVar's aggregate classification.
ClinVar note: Converted during submission from pathogenic to Pathogenic.

Literature cited by the submitters: PubMed 24895405 (cited by Women's Health and Genetics/Laboratory Corporation of America, LabCorp).